The following is an entry in ClinVar:

NM_019109.5(ALG1):c.817C>A (p.Leu273Ile)

Gene: ALG1 (ALG1 chitobiosyldiphosphodolichol beta-mannosyltransferase; plus strand). Cytogenetic location: 16p13.3.
Variant type: single nucleotide variant.
Coding change: c.817C>A on transcript NM_019109.5 (MANE Select); coding-DNA position 817, C replaced by A.
Protein change: p.Leu273Ile; replaces leucine 273 with isoleucine.
Molecular consequence: missense variant.
Genome position (GRCh38, 1-based): chr16:5,078,833, C>A. VCF-style: chr16-5078833-C-A. GRCh37 (hg19) VCF-style: chr16-5128834-C-A.
Other names: c.484C>A, p.Leu162Ile (NM_001330504.2); short protein forms L162I, L273I.
Identifiers: ClinVar variation 3900223 (VCV003900223.1).
Genomic context (GRCh38, chr16:5,078,833, plus strand): 5'-CCAGTCACGGAGCGGTCGGCCTTCACGGAGCGGGATGCTGGGAGCGGGCTGGTGACGCGT[C>A]TCCGTGAGCGGCCAGCCCTGCTGGTCAGCAGCACGAGCTGGACAGGTCTGCAGGACCCCT-3'
Protein context (NP_061982.3, residues 263-283): RDAGSGLVTR[Leu273Ile]RERPALLVSS

ClinVar aggregate classification (germline): Uncertain significance (1 of 4 stars; one submission).

gnomAD v4.1: 4 of 1,612,044 alleles (0.00025%); highest among the groups gnomAD compares: African/African-American, 0.0053%; no homozygotes.

Submission:

GeneDx
Classification: Uncertain significance. Last evaluated: 2024-11-24. Review status: criteria provided, single submitter. Criteria: GeneDx Variant Classification Process June 2021. Collection method: clinical testing. Allele origin: germline. Affected: yes.
Comment: Not observed at significant frequency in large population cohorts (gnomAD); In silico analysis indicates that this missense variant does not alter protein structure/function; Has not been previously published as pathogenic or benign to our knowledge